The following is an entry in ClinVar:

ClinVar aggregate classification (germline): Pathogenic/Likely pathogenic. Review status: criteria provided, multiple submitters, no conflicts (2 of 4 stars). 8 submissions from 8 submitters: Pathogenic (4); Likely pathogenic (3). 1 of the submissions does not count toward it. Last evaluated 2026-03-26.

Conditions:
Cardiovascular phenotype. Identifiers: MedGen CN230736.
TTN-related myopathy. Identifiers: MedGen CN294812, MONDO:0100175.
Dilated cardiomyopathy 1G (CMD1G). Identifiers: Orphanet 154, MedGen C1858763, MONDO:0011400, OMIM 604145.
Autosomal recessive limb-girdle muscular dystrophy type 2J (LGMDR10). Also called: Limb-girdle muscular dystrophy, type 2J; MUSCULAR DYSTROPHY, LIMB-GIRDLE, AUTOSOMAL RECESSIVE 10. Identifiers: Orphanet 140922, MedGen C1837342, MONDO:0012127, OMIM 608807.

Allele frequency attached by ClinVar (database versions not stated): gnomAD exomes below 0.00001.
gnomAD v4.1: 3 of 1,613,802 alleles (0.00019%); highest among the groups gnomAD compares: Non-Finnish European, 0.00025%; no homozygotes.

Submissions (8):

Institute of Human Genetics, University of Leipzig Medical Center
Classification: Pathogenic for Dilated cardiomyopathy 1G. Last evaluated: 2026-03-26. Review status: criteria provided, single submitter. Criteria: ACMG Guidelines, 2015. Collection method: clinical testing. Allele origin: maternal. Inheritance: Autosomal dominant inheritance. Affected: yes.

Labcorp Genetics (formerly Invitae), Labcorp
Classification: Likely pathogenic for Dilated cardiomyopathy 1G; Autosomal recessive limb-girdle muscular dystrophy type 2J. Last evaluated: 2025-10-23. Review status: criteria provided, single submitter. Criteria: Invitae Variant Classification Sherloc (09022015). Collection method: clinical testing. Allele origin: germline.
Comment: This sequence change creates a premature translational stop signal (p.Arg29673*) in the TTN gene. While this is not anticipated to result in nonsense mediated decay, it is expected to create a truncated TTN protein. This variant is not present in population databases (gnomAD no frequency). This premature translational stop signal has been observed in individual(s) with dilated cardiomyopathy (internal data). ClinVar contains an entry for this variant (Variation ID: 263764). This variant is located in the A band of TTN (PMID: 25589632). Truncating variants in this region are significantly overrepresented in patients affected with dilated cardiomyopathy (PMID: 25589632). Truncating variants in this region have also been reported in individuals affected with autosomal recessive centronuclear myopathy (PMID: 23975875). In summary, the currently available evidence indicates that the variant is pathogenic, but additional data are needed to prove that conclusively. Therefore, this variant has been classified as Likely Pathogenic.

Institute of Immunology and Genetics Kaiserslautern
Classification: Pathogenic for Dilated cardiomyopathy 1G. Last evaluated: 2024-02-02. Review status: criteria provided, single submitter. Criteria: ACMG Guidelines, 2015. Collection method: clinical testing. Allele origin: germline. Affected: yes.
Comment: ACMG Criteria: PVS1, PM2, PP5; Variant was found in heterozygous state

Victorian Clinical Genetics Services, Murdoch Childrens Research Institute
Classification: Likely pathogenic for TTN-related myopathy. Last evaluated: 2022-02-02. Review status: criteria provided, single submitter. Criteria: ACMG Guidelines, 2015. Collection method: clinical testing. Allele origin: germline. Inheritance: Autosomal recessive inheritance. Affected: yes.
Comment: Based on the classification scheme VCGS_Germline_v1.3.4, this variant is classified as Likely pathogenic. Following criteria are met: 0102 - Loss of function is known mechanism of disease in this gene. In addition, dominant-negative is also a suggested mechanism. (PMID: 25589632). (I) 0108 - This gene is associated with both recessive and dominant disease (OMIM). (I) 0112 - A condition associated with this gene has incomplete penetrance. Variants in this gene that result in a premature truncating codon (PTC) are known to have reduced penetrance in DCM (PMID: 25589632). (I) 0201 - Variant is predicted to cause nonsense-mediated decay (NMD) and loss of protein (premature termination codon is located at least 54 nucleotides upstream of the final exon-exon junction), but there is evidence that truncating mutations in this gene escape NMD (PMID: 25589632). (SP) 0251 - This variant is heterozygous. (I) 0301 - Variant is absent from gnomAD (both v2 and v3). (SP) 0600 - Variant is located in the annotated C-terminal A-band and the exon has a PSI score of 100 (PMID: 25589632). (I) 0703 - Other NMD predicted variants comparable to the one identified in this case have moderate previous evidence for pathogenicity (ClinVar). (SP) 0802 - This variant has moderate previous evidence of pathogenicity in unrelated individuals. This variant has been reported as pathogenic and likely pathogenic, and observed in individuals with dilated cardiomyopathy (ClinVar, personal communication). (SP) 0905 - No published segregation evidence has been identified for this variant. (I) 1007 - No published functional evidence has been identified for this variant. (I) 1208 - Inheritance information for this variant is not currently available in this individual. (I) Legend: (SP) - Supporting pathogenic, (I) - Information, (SB) - Supporting benign

3billion
Classification: Pathogenic for Dilated cardiomyopathy 1G. Last evaluated: 2022-01-03. Review status: criteria provided, single submitter. Criteria: ACMG Guidelines, 2015. Collection method: clinical testing. Allele origin: germline. Affected: yes. Observed: 1 heterozygote.
Comment: Stop-gained (nonsense): predicted to result in a loss or disruption of normal protein function through nonsense-mediated decay (NMD) or protein truncation. Multiple pathogenic variants are reported downstream of the variant (PVS1_VS). It is not observed in the gnomAD v2.1.1 dataset (PM2_M). The variant has been reported at least twice as pathogenic/likely pathogenic with clinical assertions and evidence for the classification (ClinVar ID: VCV000263764, PMID:28152038). Therefore, this variant is classified as pathogenic according to the recommendation of ACMG/AMP guideline.

GeneDx
Classification: Pathogenic. Last evaluated: 2017-02-06. Review status: criteria provided, single submitter. Criteria: GeneDx Variant Classification (06012015). Collection method: clinical testing. Allele origin: germline. Affected: yes.
Comment: The R28032X pathogenic variant in the TTN gene has not been reported as a pathogenic or benign to our knowledge. R28032X is predicted to cause loss of normal protein function either by protein truncation or nonsense-mediated mRNA decay. Other truncating TTN variants have been reported in approximately 3% of control alleles (Herman et al., 2012). However, R28032X is located in the A-band region of titin, where the majority of truncating pathogenic variants associated with DCM have been reported (Herman et al., 2012). Furthermore, the R28032X variant is not observed in large population cohorts (Lek et al., 2016; 1000 Genomes Consortium et al., 2015; Exome Variant Server).

Ambry Genetics
Classification: Likely pathogenic for Cardiovascular phenotype. Last evaluated: 2013-11-11. Review status: criteria provided, single submitter. Criteria: Ambry Autosomal Dominant and X-Linked criteria (10/2015). Collection method: clinical testing. Allele origin: germline. Observed: 1 variant allele.
Comment: The p.R27105X variant (also known as c.81313C>T) is located in coding exon 281 of the TTNgene. This alteration results from a C to T substitution at nucleotide position 81313. This changes the amino acid from an arginine to a stop codon within coding exon 281. Premature stop codons resulting in a truncated protein substantially alter protein structure, and this variant therefore meets ACMG criteria for classification as a mutation (ACMG Recommendations for Standards for Interpretation and Reporting of Sequence Variations. Revision 2007. Genet Med.2008;10:294). Furthermore, truncating alterations in TTN were observed at a significantly higher frequency among patients with dilated cardiomyopathy (DCM), 54/203 (27%), compared to patients with hypertrophic cardiomyopathy (3/231, 1%, P=9x10-14) and healthy controls (7 of 247, 3%, P=4x10-5). Among families with multiple relatives with DCM, this study also provided strong data demonstrating segregation with disease (Herman DS etal. N Eng J Med. 2012;366:619-628). However, the functional consequence of protein truncating alterations in TTN have not been well described, and this specific alteration (TTNp.R27105X) has not been reported in the literature.In addition, this variant was not reported in population-based cohorts in the following databases: Database of Single Nucleotide Polymorphisms (dbSNP), the 1000 Genomes Project and the NHLBI Exome Sequencing Project (ESP). In the ESP, this variant was not reported in 6042 samples (12084 alleles) with coverage at this position.Based on the majority of available evidence to date, this variant is likely to be pathogenic; however, due to the uncertainty of the functional and clinical consequences, its significance remains unclear.

Cardiogenetics and Myogenetics Molecular and Cellular Functional Unit, Aphp Sorbonne University-Hopital Pitie Salpetriere
Classification: Likely pathogenic for Dilated cardiomyopathy 1G. Last evaluated: 2024-01-06. Review status: no assertion criteria provided. Collection method: clinical testing. Allele origin: germline. Affected: yes. Not counted in ClinVar's aggregate classification.

Literature cited by the submitters: PubMed 25589632 (cited by Labcorp Genetics (formerly Invitae), Labcorp and Victorian Clinical Genetics Services, Murdoch Childrens Research Institute); PubMed 23975875 (cited by Labcorp Genetics (formerly Invitae), Labcorp); PubMed 28152038 (cited by 3billion).

NM_001267550.2(TTN):c.89017C>T (p.Arg29673Ter)

Genes: TTN (titin; minus strand), TTN-AS1 (TTN antisense RNA 1; plus strand). Cytogenetic location: 2q31.2.
Variant type: single nucleotide variant.
Coding change: c.89017C>T on transcript NM_001267550.2 (MANE Select); coding-DNA position 89017, C replaced by T.
Protein change: p.Arg29673Ter; replaces arginine 29673 with a stop codon.
Molecular consequence: nonsense.
Genome position (GRCh38, 1-based): chr2:178,554,094, G>A on the plus strand (C>T on the coding strand, the complement: TTN is on the minus strand). VCF-style: chr2-178554094-G-A. GRCh37 (hg19) VCF-style: chr2-179418821-G-A.
Other names: c.84094C>T, p.Arg28032Ter (NM_001256850.1); c.61822C>T, p.Arg20608Ter (NM_003319.4); c.81313C>T, p.Arg27105Ter (NM_133378.4); c.62197C>T, p.Arg20733Ter (NM_133432.3); c.62398C>T, p.Arg20800Ter (NM_133437.4); c.89017C>T (NM_001267550.1); short protein forms R27105*, R29673*, R28032*, R20608*, R20733*, R20800*.
Identifiers: ClinVar variation 263764 (VCV000263764.19), dbSNP rs886038916, ClinGen allele CA10587456.